The following is an entry in ClinVar:

ClinVar aggregate classification (germline): Uncertain significance. Review status: criteria provided, multiple submitters, no conflicts (2 of 4 stars). 2 submissions from 2 submitters: Uncertain significance (2). Last evaluated 2025-06-09.

Conditions:
Alstrom syndrome (ALMS). Identifiers: Orphanet 64, MedGen C0268425, MONDO:0008763, OMIM 203800.
Cardiovascular phenotype. Identifiers: MedGen CN230736.

Allele frequency attached by ClinVar (database versions not stated): gnomAD exomes below 0.00001; ExAC 0.00001; gnomAD 0.00001.
gnomAD v4.1: 8 of 1,613,954 alleles (0.0005%); highest among the groups gnomAD compares: South Asian, 0.0066%; no homozygotes.

Submissions (2):

Labcorp Genetics (formerly Invitae), Labcorp
Classification: Uncertain significance for Alstrom syndrome. Last evaluated: 2025-06-09. Review status: criteria provided, single submitter. Criteria: Invitae Variant Classification Sherloc (09022015). Collection method: clinical testing. Allele origin: germline.
Comment: This sequence change replaces serine, which is neutral and polar, with leucine, which is neutral and non-polar, at codon 1898 of the ALMS1 protein (p.Ser1898Leu). This variant is present in population databases (rs757128530, gnomAD 0.007%). This variant has not been reported in the literature in individuals affected with ALMS1-related conditions. ClinVar contains an entry for this variant (Variation ID: 1749098). Experimental studies and prediction algorithms are not available or were not evaluated, and the functional significance of this variant is currently unknown. In summary, the available evidence is currently insufficient to determine the role of this variant in disease. Therefore, it has been classified as a Variant of Uncertain Significance.

Ambry Genetics
Classification: Uncertain significance for Cardiovascular phenotype. Last evaluated: 2021-10-19. Review status: criteria provided, single submitter. Criteria: Ambry Variant Classification Scheme 2023. Collection method: clinical testing. Allele origin: germline.
Comment: The p.S1898L variant (also known as c.5693C>T), located in coding exon 8 of the ALMS1 gene, results from a C to T substitution at nucleotide position 5693. The serine at codon 1898 is replaced by leucine, an amino acid with dissimilar properties. This amino acid position is well conserved in available vertebrate species. In addition, this alteration is predicted to be tolerated by in silico analysis. Since supporting evidence is limited at this time, the clinical significance of this alteration remains unclear.

NM_001378454.1(ALMS1):c.5690C>T (p.Ser1897Leu)

Gene: ALMS1 (ALMS1 centrosome and basal body associated protein; plus strand). Cytogenetic location: 2p13.1.
Variant type: single nucleotide variant.
Coding change: c.5690C>T on transcript NM_001378454.1 (MANE Select); coding-DNA position 5690, C replaced by T.
Protein change: p.Ser1897Leu; replaces serine 1897 with leucine.
Molecular consequence: missense variant.
Genome position (GRCh38, 1-based): chr2:73,452,217, C>T. VCF-style: chr2-73452217-C-T. GRCh37 (hg19) VCF-style: chr2-73679344-C-T.
Other names: c.5693C>T, p.Ser1898Leu (NM_015120.4); short protein forms S1897L, S1898L.
Identifiers: ClinVar variation 1749098 (VCV001749098.6), dbSNP rs757128530, ClinGen allele CA1713924.
Genomic context (GRCh38, chr2:73,452,217, plus strand): 5'-GGGTTCCTGGGCCTGCTGACCAGAAGACTGGGATACAAATAGCATCCTCTAGTTCCTACT[C>T]AAATAGAGAGAAGGCCAGTATTTTTCATCAGCAGGAGTTGCCAGATGTTACTGAAGAAGC-3'
Protein context (NP_001365383.1, residues 1887-1907): GIQIASSSSY[Ser1897Leu]NREKASIFHQ